The following is an entry in ClinVar:

ClinVar aggregate classification (germline): Uncertain significance (1 of 4 stars; one submission).

gnomAD v4.1: 2 of 1,547,012 alleles (0.00013%); highest among the groups gnomAD compares: Non-Finnish European, 0.00018%; no homozygotes.

Submission:

Labcorp Genetics (formerly Invitae), Labcorp
Classification: Uncertain significance. Last evaluated: 2025-11-12. Review status: criteria provided, single submitter. Criteria: Invitae Variant Classification Sherloc (09022015). Collection method: clinical testing. Allele origin: germline.
Comment: This sequence change replaces isoleucine, which is neutral and non-polar, with methionine, which is neutral and non-polar, at codon 247 of the GUCY2C protein (p.Ile247Met). This variant is not present in population databases (gnomAD no frequency). This variant has not been reported in the literature in individuals affected with GUCY2C-related conditions. Invitae Evidence Modeling of protein sequence and biophysical properties (such as structural, functional, and spatial information, amino acid conservation, physicochemical variation, residue mobility, and thermodynamic stability) indicates that this missense variant is not expected to disrupt GUCY2C protein function with a negative predictive value of 80%. In summary, the available evidence is currently insufficient to determine the role of this variant in disease. Therefore, it has been classified as a Variant of Uncertain Significance.

NM_004963.4(GUCY2C):c.741T>G (p.Ile247Met)

Genes: GUCY2C (guanylate cyclase 2C; minus strand), GUCY2C-AS1 (GUCY2C antisense RNA 1; plus strand). Cytogenetic location: 12p12.3.
Variant type: single nucleotide variant.
Coding change: c.741T>G on transcript NM_004963.4 (MANE Select); coding-DNA position 741, T replaced by G.
Protein change: p.Ile247Met; replaces isoleucine 247 with methionine.
Molecular consequence: missense variant.
Genome position (GRCh38, 1-based): chr12:14,679,746, A>C on the plus strand (T>G on the coding strand, the complement: GUCY2C is on the minus strand). VCF-style: chr12-14679746-A-C. GRCh37 (hg19) VCF-style: chr12-14832680-A-C.
Other names: short protein forms I247M.
Identifiers: ClinVar variation 4762510 (VCV004762510.1).